The following is an entry in ClinVar:

ClinVar aggregate classification (germline): Uncertain significance (1 of 4 stars; one submission).

Conditions:
Cardiovascular phenotype. Identifiers: MedGen CN230736.

gnomAD v4.1: 1 of 1,614,184 alleles (0.000062%); highest among the groups gnomAD compares: East Asian, 0.0022%; no homozygotes.

Submission:

Ambry Genetics
Classification: Uncertain significance for Cardiovascular phenotype. Last evaluated: 2026-08-22. Review status: criteria provided, single submitter. Criteria: Ambry Variant Classification Scheme 2023. Collection method: clinical testing. Allele origin: germline.
Comment: The p.T292I variant (also known as c.875C>T), located in coding exon 6 of the LCAT gene, results from a C to T substitution at nucleotide position 875. The threonine at codon 292 is replaced by isoleucine, an amino acid with similar properties. This amino acid position is conserved. In addition, this alteration is predicted to be deleterious by in silico analysis. Based on the available evidence, the clinical significance of this variant remains unclear.

NM_000229.2(LCAT):c.875C>T (p.Thr292Ile)

Gene: LCAT (lecithin-cholesterol acyltransferase; minus strand). Cytogenetic location: 16q22.1.
Variant type: single nucleotide variant.
Coding change: c.875C>T on transcript NM_000229.2 (MANE Select); coding-DNA position 875, C replaced by T.
Protein change: p.Thr292Ile; replaces threonine 292 with isoleucine.
Molecular consequence: missense variant.
Genome position (GRCh38, 1-based): chr16:67,940,352, G>A on the plus strand (C>T on the coding strand, the complement: LCAT is on the minus strand). VCF-style: chr16-67940352-G-A. GRCh37 (hg19) VCF-style: chr16-67974255-G-A.
Other names: short protein forms T292I.
Identifiers: ClinVar variation 5023512 (VCV005023512.1).